The following is an entry in ClinVar:

ClinVar aggregate classification (germline): Benign/Likely benign. Review status: criteria provided, multiple submitters, no conflicts (2 of 4 stars). 2 submissions from 2 submitters: Benign (1); Likely benign (1). Last evaluated 2026-07-13.

Conditions:
Rhabdoid tumor predisposition syndrome 2 (RTPS2). Identifiers: Orphanet 231108, Orphanet 69077, MedGen C2750074, MONDO:0013224, OMIM 613325.

Submissions (2):

Myriad Genetics, Inc.
Classification: Benign for Rhabdoid tumor predisposition syndrome 2. Last evaluated: 2026-07-13. Review status: criteria provided, single submitter. Criteria: Myriad Autosomal Dominant, Autosomal Recessive and X-Linked Classification Criteria (2023). Collection method: clinical testing. Allele origin: unknown.
Comment: This variant is considered benign. This variant is a silent/synonymous amino acid change and it is not expected to impact splicing.

Labcorp Genetics (formerly Invitae), Labcorp
Classification: Likely benign for Rhabdoid tumor predisposition syndrome 2. Last evaluated: 2022-05-04. Review status: criteria provided, single submitter. Criteria: Invitae Variant Classification Sherloc (09022015). Collection method: clinical testing. Allele origin: germline.

NM_003072.5(SMARCA4):c.2436C>T (p.Leu812=)

Gene: SMARCA4 (SWI/SNF related BAF chromatin remodeling complex subunit ATPase 4; plus strand). Cytogenetic location: 19p13.2.
Variant type: single nucleotide variant.
Coding change: c.2436C>T on transcript NM_003072.5 (MANE Select); coding-DNA position 2436, C replaced by T.
Protein change: p.Leu812=; no amino-acid change (leucine 812 retained).
Molecular consequence: synonymous variant. On other transcripts: non-coding transcript variant (1).
Genome position (GRCh38, 1-based): chr19:11,013,110, C>T. VCF-style: chr19-11013110-C-T. GRCh37 (hg19) VCF-style: chr19-11123786-C-T.
Other names: c.2436C>T, p.Leu812= (NM_001128844.3, NM_001128845.2, NM_001128846.2 and 4 more transcripts).
Identifiers: ClinVar variation 798618 (VCV000798618.10), dbSNP rs1600210146, ClinGen allele CA505489854.